The following is an entry in ClinVar:

ClinVar aggregate classification (germline): Uncertain significance (1 of 4 stars; one submission).

Conditions:
Eichsfeld type congenital muscular dystrophy (CMYO3). Also called: MYOPATHY, SEPN1-RELATED; SELENON-related myopathy; Congenital myopathy 3 with rigid spine; Rigid spine muscular dystrophy 1. Identifiers: MedGen C0410180, MONDO:0100100, OMIM 602771.

Submission:

Labcorp Genetics (formerly Invitae), Labcorp
Classification: Uncertain significance for Eichsfeld type congenital muscular dystrophy. Last evaluated: 2023-12-21. Review status: criteria provided, single submitter. Criteria: Invitae Variant Classification Sherloc (09022015). Collection method: clinical testing. Allele origin: germline.
Comment: This variant, c.1549_1551del, results in the deletion of 1 amino acid(s) of the SELENON protein (p.Glu517del), but otherwise preserves the integrity of the reading frame. This variant is not present in population databases (gnomAD no frequency). This variant has been observed in individual(s) with clinical features of SELENON-related conditions (Invitae). It has also been observed to segregate with disease in related individuals. Experimental studies and prediction algorithms are not available or were not evaluated, and the functional significance of this variant is currently unknown. In summary, the available evidence is currently insufficient to determine the role of this variant in disease. Therefore, it has been classified as a Variant of Uncertain Significance.

NM_206926.2(SELENON):c.1447_1449del (p.Glu483del)

Gene: SELENON (selenoprotein N; plus strand). Cytogenetic location: 1p36.11.
Variant type: Deletion.
Coding change: c.1447_1449del on transcript NM_206926.2 (MANE Select); coding-DNA positions 1447 to 1449, 3 bases deleted (GAG; older notation c.1447_1449delGAG).
Protein change: p.Glu483del; deletes glutamic acid 483.
Molecular consequence: inframe deletion.
Genome position (GRCh38, 1-based): chr1:25,814,125-25,814,127, GAG deleted; deleting any 3 consecutive bases within chr1:25,814,124-25,814,127 gives the same sequence; the c. name uses the placement nearest the transcript's 3' end. VCF-style (leftmost placement, unchanged base first): chr1-25814123-TGGA-T. GRCh37 (hg19) VCF-style: chr1-26140614-TGGA-T.
Other names: c.1549_1551del, p.Glu517del (NM_020451.3); short protein forms E483del, E517del.
Identifiers: ClinVar variation 2778285 (VCV002778285.3), dbSNP rs2525005905, ClinGen allele CA2644196523.